The following is an entry in ClinVar:

ClinVar aggregate classification (germline): Likely pathogenic (1 of 4 stars; one submission).

Submission:

Labcorp Genetics (formerly Invitae), Labcorp
Classification: Likely pathogenic. Last evaluated: 2019-09-17. Review status: criteria provided, single submitter. Criteria: Invitae Variant Classification Sherloc (09022015). Collection method: clinical testing. Allele origin: germline.
Comment: This variant results in the deletion of part of exon 13 (c.874+2168_970del) of the CNGB1 gene. It is expected to disrupt RNA splicing and likely results in an absent or disrupted protein product. This variant has not been reported in the literature in individuals with CNGB1-related conditions. Loss-of-function variants in CNGB1 are known to be pathogenic (PMID: 15557452, 24043777). In summary, the currently available evidence indicates that the variant is pathogenic, but additional data are needed to prove that conclusively. Therefore, this variant has been classified as Likely Pathogenic.

NM_001297.5(CNGB1):c.874+2168_970del

Gene: CNGB1 (cyclic nucleotide gated channel subunit beta 1; minus strand). Cytogenetic location: 16q21.
Variant type: Deletion.
Coding change: c.874+2168_970del on transcript NM_001297.5 (MANE Select); 2168 bases into the intron after coding-DNA position 874 through coding-DNA position 970, 4,729 bases deleted.
Molecular consequence: splice acceptor variant.
Genome position (GRCh38, 1-based): chr16:57,950,445-57,955,173, 4,729 bases deleted. GRCh37 (hg19): chr16:57,984,353-57,989,081.
Other names: c.856+2168_952del (NM_001286130.2).
Identifiers: ClinVar variation 940570 (VCV000940570.1), ClinGen allele CA1139664724.